The following is an entry in ClinVar:

ClinVar aggregate classification (germline): Pathogenic/Likely pathogenic. Review status: criteria provided, multiple submitters, no conflicts (2 of 4 stars). 5 submissions from 5 submitters: Pathogenic (2); Likely pathogenic (1). 2 of the submissions do not count toward it. Last evaluated 2025-07-11.

Conditions:
Hereditary cancer-predisposing syndrome. Also called: Neoplastic Syndromes, Hereditary; Hereditary neoplastic syndrome; Hereditary Cancer Syndrome; Tumor predisposition. Identifiers: Orphanet 140162, MedGen C0027672, MeSH D009386, MONDO:0015356.
Tuberous sclerosis syndrome (TSC). Also called: Tuberous Sclerosis Complex; Tuberous sclerosis. Identifiers: Orphanet 805, MedGen C0041341, MONDO:0001734.
Tuberous sclerosis 2 (TSC2). Identifiers: Orphanet 805, MedGen C1860707, MONDO:0013199, OMIM 613254.

Submissions (5):

3billion
Classification: Pathogenic for Tuberous sclerosis 2. Last evaluated: 2025-07-11. Review status: criteria provided, single submitter. Criteria: ACMG Guidelines, 2015. Collection method: clinical testing. Allele origin: germline. Affected: yes.
Comment: The variant is not observed in the gnomAD v4.1.0 dataset. Predicted Consequence/Location: Canonical splice site: predicted to alter splicing and result in a loss or disruption of normal protein function. Multiple pathogenic loss-of-function variants are reported downstream of the variant. The variant has been reported at least twice as pathogenic without evidence for the classification (ClinVar ID: VCV000049377 /PMID: 17304050). Therefore, this variant is classified as Pathogenic according to the recommendation of ACMG/AMP guideline.

Ambry Genetics
Classification: Likely pathogenic for Hereditary cancer-predisposing syndrome. Last evaluated: 2025-05-05. Review status: criteria provided, single submitter. Criteria: Ambry Variant Classification Scheme 2023. Collection method: clinical testing. Allele origin: germline.
Comment: The c.599+1G>A intronic variant results from a G to A substitution one nucleotide after coding exon 5 of the TSC2 gene. This variant was reported in individuals with features consistent with tuberous sclerosis complex (Au KS et al. Genet Med, 2007 Feb;9:88-100; Li W et al. Chinese Journal of Medical Genetics, 2011 Aug;28:361-6; Zou D et al. Brain, 2021 Dec;144:3623-3634; Ambry internal data). This variant is considered to be rare based on population cohorts in the Genome Aggregation Database (gnomAD). This nucleotide position is highly conserved in available vertebrate species. In silico splice site analysis predicts that this alteration will weaken the native splice donor site. In addition to the clinical data presented in the literature, alterations that disrupt the canonical splice site are expected to cause aberrant splicing, resulting in an abnormal protein or a transcript that is subject to nonsense-mediated mRNA decay. As such, this alteration is classified as likely pathogenic. As such, this alteration is classified as likely pathogenic.

Labcorp Genetics (formerly Invitae), Labcorp
Classification: Pathogenic for Tuberous sclerosis 2. Last evaluated: 2022-09-27. Review status: criteria provided, single submitter. Criteria: Invitae Variant Classification Sherloc (09022015). Collection method: clinical testing. Allele origin: germline.
Comment: For these reasons, this variant has been classified as Pathogenic. This sequence change affects a donor splice site in intron 6 of the TSC2 gene. It is expected to disrupt RNA splicing. Variants that disrupt the donor or acceptor splice site typically lead to a loss of protein function (PMID: 16199547), and loss-of-function variants in TSC2 are known to be pathogenic (PMID: 10205261, 17304050). This variant is not present in population databases (gnomAD no frequency). Disruption of this splice site has been observed in individual(s) with tuberous sclerosis complex (PMID: 17304050, 21811971). This variant is also known as Intron5+1G>A. ClinVar contains an entry for this variant (Variation ID: 49377). Algorithms developed to predict the effect of sequence changes on RNA splicing suggest that this variant may disrupt the consensus splice site.

Clinical Molecular Genetics Laboratory, Johns Hopkins All Children's Hospital
Classification: Pathogenic for Tuberous sclerosis syndrome. Last evaluated: 2017-08-07. Review status: no assertion criteria provided. Collection method: clinical testing. Allele origin: germline. Affected: yes. Not counted in ClinVar's aggregate classification.

Tuberous sclerosis database (TSC2)
No classification provided. Condition: TSC. Review status: no classification provided. Criteria: Tuberous Sclerosis Database Assertion Criteria 2015. Collection method: curation. Allele origin: germline. Affected: yes. Not counted in ClinVar's aggregate classification.

Literature cited by the submitters: PubMed 17304050 (cited by 3 submitters); PubMed 21811971 (cited by Ambry Genetics and Labcorp Genetics (formerly Invitae), Labcorp); PubMed 34145886 (cited by Ambry Genetics); PubMed 16199547 (cited by Labcorp Genetics (formerly Invitae), Labcorp); PubMed 10205261 (cited by Labcorp Genetics (formerly Invitae), Labcorp).

NM_000548.5(TSC2):c.599+1G>A

Gene: TSC2 (TSC complex subunit 2; plus strand). Cytogenetic location: 16p13.3.
Variant type: single nucleotide variant.
Coding change: c.599+1G>A on transcript NM_000548.5 (MANE Select); the canonical splice donor site of the intron after coding-DNA position 599, G replaced by A.
Molecular consequence: splice donor variant. On other transcripts: intron variant (6).
Genome position (GRCh38, 1-based): chr16:2,055,520, G>A. VCF-style: chr16-2055520-G-A. GRCh37 (hg19) VCF-style: chr16-2105521-G-A.
Other names: c.452+1G>A (NM_001406679.1, NM_001406675.1, NM_001406676.1 and 1 more transcripts); c.-1-676G>A (NM_001406686.1, NM_001406682.1, NM_001406684.1 and 3 more transcripts); c.632+1G>A (NM_001318832.2); c.-1049+1G>A (NM_001406693.1); c.689+1G>A (NM_001406667.1, NM_001406668.1); c.-218+1G>A (NM_001406680.1, NM_001406683.1, NM_001406687.1); c.-833+1G>A (NM_001406689.1, NM_001406690.1, NM_001406692.1 and 2 more transcripts); c.-1009+1G>A (NM_001406698.1); and 6 more.
Identifiers: ClinVar variation 49377 (VCV000049377.9), dbSNP rs45460895, ClinGen allele CA022627.